The following is an entry in ClinVar:

ClinVar aggregate classification (germline): Conflicting classifications of pathogenicity. Review status: criteria provided, conflicting classifications (1 of 4 stars). 28 submissions from 23 submitters: Uncertain significance (6); Benign (5); Likely benign (8). 9 of the submissions do not count toward it. Last evaluated 2026-09-01.

Conditions:
TTN-related disorder. Also called: TTN-related disorders; TTN-related condition; TTN-related disease.
Dilated cardiomyopathy 1G (CMD1G). Identifiers: Orphanet 154, MedGen C1858763, MONDO:0011400, OMIM 604145.
Autosomal recessive limb-girdle muscular dystrophy type 2J (LGMDR10). Also called: MUSCULAR DYSTROPHY, LIMB-GIRDLE, AUTOSOMAL RECESSIVE 10; Limb-girdle muscular dystrophy, type 2J. Identifiers: Orphanet 140922, MedGen C1837342, MONDO:0012127, OMIM 608807.
Cardiovascular phenotype. Identifiers: MedGen CN230736.
Brugada syndrome. Also called: Sudden unexpected nocturnal death syndrome; Sudden unexplained nocturnal death syndrome; Sudden Unexplained Death Syndrome; Sudden Unexplained Nocturnal Death Syndrome (SUNDS). Identifiers: Orphanet 130, MedGen C1142166, MONDO:0015263.
Cardiomyopathy (CMYO). Also called: Cardiomyopathies. Identifiers: Orphanet 167848, MedGen C0878544, MONDO:0004994, HP:0001638. Inheritance: Various modes of inheritance.
Myopathy, myofibrillar, 9, with early respiratory failure (MFM9). Also called: Myopathy, distal, with early respiratory failure, autosomal dominant; Hereditary myopathy with early respiratory failure; MYOPATHY, PROXIMAL, WITH EARLY RESPIRATORY MUSCLE INVOLVEMENT; EDSTROM MYOPATHY. Identifiers: Orphanet 178464, Orphanet 34521, MedGen C1863599, MONDO:0011362, OMIM 603689.
Early-onset myopathy with fatal cardiomyopathy (CMYO5). Also called: CONGENITAL MYOPATHY 5 WITH CARDIOMYOPATHY; Salih Myopathy. Identifiers: Orphanet 289377, MedGen C2673677, MONDO:0012714, OMIM 611705. Disease mechanism: loss of function.
Tibial muscular dystrophy (TMD). Also called: Udd Distal Myopathy – Tibial Muscular Dystrophy; Tibial muscular dystrophy, tardive; UDD MYOPATHY. Identifiers: Orphanet 609, MedGen C1838244, MONDO:0010870, OMIM 600334.

Allele frequency attached by ClinVar (database versions not stated): TOPMed 0.00100; 1000 Genomes Project 30x 0.00016; 1000 Genomes Project 0.00020; gnomAD 0.00106 and 0.00110; ExAC 0.00104; ESP Exome Variant Server 0.00157.
gnomAD v4.1: 2,059 of 1,575,634 alleles (0.13%); highest among the groups gnomAD compares: Non-Finnish European, 0.16%; 6 homozygotes.

Submissions 1 to 20 of 28:

CeGaT Center for Human Genetics Tuebingen
Classification: Likely benign. Last evaluated: 2026-09-01. Review status: criteria provided, single submitter. Criteria: CeGaT Center For Human Genetics Tuebingen Variant Classification Criteria Version 2. Collection method: clinical testing. Allele origin: germline. Affected: yes. Observed: 30 variant alleles.
Comment: TTN: BP5, BS2

Labcorp Genetics (formerly Invitae), Labcorp
Classification: Likely benign for Dilated cardiomyopathy 1G; Autosomal recessive limb-girdle muscular dystrophy type 2J. Last evaluated: 2026-02-03. Review status: criteria provided, single submitter. Criteria: Invitae Variant Classification Sherloc (09022015). Collection method: clinical testing. Allele origin: germline.

Molecular Diagnostic Laboratory for Inherited Cardiovascular Disease, Montreal Heart Institute
Classification: Likely benign. Last evaluated: 2025-04-09. Review status: criteria provided, single submitter. Criteria: ACMG Guidelines, 2015. Collection method: clinical testing. Allele origin: germline. Affected: no.

Mayo Clinic Laboratories, Mayo Clinic
Classification: Likely benign. Last evaluated: 2025-03-05. Review status: criteria provided, single submitter. Criteria: ACMG Guidelines, 2015. Collection method: clinical testing. Allele origin: germline. Observed: 6 variant alleles.

Blueprint Genetics
Classification: Likely benign. Last evaluated: 2024-11-26. Review status: criteria provided, single submitter. Criteria: ACMG Guidelines, 2015. Collection method: clinical testing. Allele origin: germline.

ARUP Laboratories, Molecular Genetics and Genomics, ARUP Laboratories
Classification: Likely benign. Last evaluated: 2023-06-15. Review status: criteria provided, single submitter. Criteria: ARUP Molecular Germline Variant Investigation Process 2024. Collection method: clinical testing. Allele origin: germline.

Women's Health and Genetics/Laboratory Corporation of America, LabCorp
Classification: Likely benign. Last evaluated: 2022-11-19. Review status: criteria provided, single submitter. Criteria: LabCorp Variant Classification Summary - May 2015. Collection method: clinical testing. Allele origin: germline.

GeneDx
Classification: Likely benign. Last evaluated: 2020-11-04. Review status: criteria provided, single submitter. Criteria: GeneDx Variant Classification Process June 2021. Collection method: clinical testing. Allele origin: germline. Affected: yes.
Comment: This variant is associated with the following publications: (PMID: 24503780, 23861362, 23396983, 32403337)

Ambry Genetics
Classification: Benign for Cardiovascular phenotype. Last evaluated: 2020-07-17. Review status: criteria provided, single submitter. Criteria: Ambry Variant Classification Scheme 2023. Collection method: clinical testing. Allele origin: germline.

CHEO Genetics Diagnostic Laboratory, Children's Hospital of Eastern Ontario
Classification: Benign for Cardiomyopathy. Last evaluated: 2019-06-25. Review status: criteria provided, single submitter. Criteria: ACMG Guidelines, 2015. Collection method: clinical testing. Allele origin: germline.

Athena Diagnostics
Classification: Benign. Last evaluated: 2018-08-13. Review status: criteria provided, single submitter. Criteria: Athena Diagnostics Criteria. Collection method: clinical testing. Allele origin: germline.

Baylor Genetics
Classification: Uncertain significance for Myopathy, myofibrillar, 9, with early respiratory failure. Last evaluated: 2018-04-05. Review status: criteria provided, single submitter. Criteria: ACMG Guidelines, 2015. Collection method: clinical testing. Allele origin: maternal. Affected: yes.
Comment: This variant was determined to be of uncertain significance according to ACMG Guidelines, 2015 [PMID:25741868].

Illumina Laboratory Services, Illumina
Classification: Uncertain significance for Early-onset myopathy with fatal cardiomyopathy. Last evaluated: 2018-01-12. Review status: criteria provided, single submitter. Criteria: ICSL Variant Classification Criteria 13 December 2019. Collection method: clinical testing. Allele origin: germline.

Illumina Laboratory Services, Illumina
Classification: Uncertain significance for Dilated cardiomyopathy 1G. Last evaluated: 2018-01-12. Review status: criteria provided, single submitter. Criteria: ICSL Variant Classification Criteria 13 December 2019. Collection method: clinical testing. Allele origin: germline.

Illumina Laboratory Services, Illumina
Classification: Benign for Tibial muscular dystrophy. Last evaluated: 2018-01-12. Review status: criteria provided, single submitter. Criteria: ICSL Variant Classification Criteria 13 December 2019. Collection method: clinical testing. Allele origin: germline.
Comment: This variant was observed in the ICSL laboratory as part of a predisposition screen in an ostensibly healthy population. It had not been previously curated by ICSL or reported in the Human Gene Mutation Database (HGMD: prior to June 1st, 2018), and was therefore a candidate for classification through an automated scoring system. Utilizing variant allele frequency, disease prevalence and penetrance estimates, and inheritance mode, an automated score was calculated to assess if this variant is too frequent to cause the disease. Based on the score and internal cut-off values, a variant classified as benign is not then subjected to further curation. The score for this variant resulted in a classification of benign for this disease.

Illumina Laboratory Services, Illumina
Classification: Uncertain significance for Autosomal recessive limb-girdle muscular dystrophy type 2J. Last evaluated: 2018-01-12. Review status: criteria provided, single submitter. Criteria: ICSL Variant Classification Criteria 13 December 2019. Collection method: clinical testing. Allele origin: germline.

Illumina Laboratory Services, Illumina
Classification: Benign for Myopathy, myofibrillar, 9, with early respiratory failure. Last evaluated: 2018-01-12. Review status: criteria provided, single submitter. Criteria: ICSL Variant Classification Criteria 13 December 2019. Collection method: clinical testing. Allele origin: germline.
Comment: the same text as in the submission from Illumina Laboratory Services, Illumina above.

Eurofins Ntd Llc (ga)
Classification: Uncertain significance. Last evaluated: 2015-07-21. Review status: criteria provided, single submitter. Criteria: EGL Classification Definitions 2015. Collection method: clinical testing. Allele origin: germline. Observed: 5 variant alleles, 5 heterozygotes.

Laboratory for Molecular Medicine, Mass General Brigham Personalized Medicine
Classification: Uncertain significance. Last evaluated: 2014-09-25. Review status: criteria provided, single submitter. Criteria: LMM Criteria. Collection method: clinical testing. Allele origin: germline. Observed: 3 variant alleles.
Comment: Variant classified as Uncertain Significance - Favor Benign. In a ddition, this variant has been identified in 0.2% (19/8258) of European American chromosomes by the NHLBI Exome Sequencing Project (/EVS/; dbSNP rs201043950). Computational prediction tools and conservation analy sis do not provide strong support for or against an impact to the protein. In su mmary, while the clinical significance of the Gly20706Asp variant is uncertain, its frequency suggests that it is more likely to be benign.

PreventionGenetics, part of Exact Sciences
Classification: Likely benign for TTN-related condition. Last evaluated: 2022-06-23. Review status: no assertion criteria provided. Collection method: clinical testing. Allele origin: germline. Not counted in ClinVar's aggregate classification.
Comment: This variant is classified as likely benign based on ACMG/AMP sequence variant interpretation guidelines (Richards et al. 2015 PMID: 25741868, with internal and published modifications).

NM_001267550.2(TTN):c.69821G>A (p.Gly23274Asp)

Genes: TTN (titin; minus strand), TTN-AS1 (TTN antisense RNA 1; plus strand), LOC126806422 (BRD4-independent group 4 enhancer GRCh37_chr2:179440205-179441404; plus strand). Cytogenetic location: 2q31.2.
Variant type: single nucleotide variant.
Coding change: c.69821G>A on transcript NM_001267550.2 (MANE Select); coding-DNA position 69821, G replaced by A.
Protein change: p.Gly23274Asp; replaces glycine 23274 with aspartic acid.
Molecular consequence: missense variant.
Genome position (GRCh38, 1-based): chr2:178,576,311, C>T on the plus strand (G>A on the coding strand, the complement: TTN is on the minus strand). VCF-style: chr2-178576311-C-T. GRCh37 (hg19) VCF-style: chr2-179441038-C-T.
Other names: p.G21633D:GGC>GAC; c.64898G>A, p.Gly21633Asp (NM_001256850.1); c.42626G>A, p.Gly14209Asp (NM_003319.4); c.62117G>A, p.Gly20706Asp (NM_133378.4); c.43001G>A, p.Gly14334Asp (NM_133432.3); c.43202G>A, p.Gly14401Asp (NM_133437.4); short protein forms G23274D, G20706D, G21633D, G14209D, G14334D, G14401D.
Identifiers: ClinVar variation 47277 (VCV000047277.85), dbSNP rs201043950, ClinGen allele CA140538.